The following is an entry in ClinVar:

ClinVar aggregate classification (germline): Uncertain significance (1 of 4 stars; one submission).

Conditions:
Wilson disease (WND). Also called: Wilson's disease. Identifiers: Orphanet 905, MedGen C0019202, MONDO:0010200, OMIM 277900. Disease mechanism: loss of function.

gnomAD v4.1: 1 of 1,614,054 alleles (0.000062%); no homozygotes.

Submission:

Labcorp Genetics (formerly Invitae), Labcorp
Classification: Uncertain significance for Wilson disease. Last evaluated: 2022-03-01. Review status: criteria provided, single submitter. Criteria: Invitae Variant Classification Sherloc (09022015). Collection method: clinical testing. Allele origin: germline.
Comment: This sequence change replaces lysine, which is basic and polar, with arginine, which is basic and polar, at codon 1080 of the ATP7B protein (p.Lys1080Arg). This variant is not present in population databases (gnomAD no frequency). This variant has not been reported in the literature in individuals affected with ATP7B-related conditions. Algorithms developed to predict the effect of missense changes on protein structure and function are either unavailable or do not agree on the potential impact of this missense change (SIFT: "Tolerated"; PolyPhen-2: "Possibly Damaging"; Align-GVGD: "Class C0"). Algorithms developed to predict the effect of sequence changes on RNA splicing suggest that this variant may create or strengthen a splice site. In summary, the available evidence is currently insufficient to determine the role of this variant in disease. Therefore, it has been classified as a Variant of Uncertain Significance.

NM_000053.4(ATP7B):c.3239A>G (p.Lys1080Arg)

Gene: ATP7B (ATPase copper transporting beta; minus strand). Cytogenetic location: 13q14.3.
Variant type: single nucleotide variant.
Coding change: c.3239A>G on transcript NM_000053.4 (MANE Select); coding-DNA position 3239, A replaced by G.
Protein change: p.Lys1080Arg; replaces lysine 1080 with arginine.
Molecular consequence: missense variant.
Genome position (GRCh38, 1-based): chr13:51,944,113, T>C on the plus strand (A>G on the coding strand, the complement: ATP7B is on the minus strand). VCF-style: chr13-51944113-T-C. GRCh37 (hg19) VCF-style: chr13-52518249-T-C.
Other names: c.2618A>G, p.Lys873Arg (NM_001005918.3); c.2906A>G, p.Lys969Arg (NM_001243182.2); c.3005A>G, p.Lys1002Arg (NM_001330578.2, NM_001406528.1, NM_001406538.1 and 1 more transcripts); c.2987A>G, p.Lys996Arg (NM_001330579.2, NM_001406531.1, NM_001406532.1); c.3239A>G, p.Lys1080Arg (NM_001406511.1, NM_001406512.1, NM_001406526.1); c.3233A>G, p.Lys1078Arg (NM_001406513.1); c.3206A>G, p.Lys1069Arg (NM_001406514.1); c.3185A>G, p.Lys1062Arg (NM_001406515.1, NM_001406516.1); and 18 more; short protein forms K1069R, K1080R, K853R, K864R, K931R, K964R, K970R, K1000R.
Identifiers: ClinVar variation 2163962 (VCV002163962.1), dbSNP rs373342365, ClinGen allele CA250080048.